The following is an entry in ClinVar:

NM_001134407.3(GRIN2A):c.*4251C>T

Gene: GRIN2A (glutamate ionotropic receptor NMDA type subunit 2A; minus strand). Cytogenetic location: 16p13.2.
Variant type: single nucleotide variant.
Coding change: c.*4251C>T on transcript NM_001134407.3 (MANE Select); 4251 bases downstream of the stop codon, C replaced by T.
Molecular consequence: 3 prime UTR variant.
Genome position (GRCh38, 1-based): chr16:9,758,898, G>A on the plus strand (C>T on the coding strand, the complement: GRIN2A is on the minus strand). VCF-style: chr16-9758898-G-A. GRCh37 (hg19) VCF-style: chr16-9852755-G-A.
Other names: c.*4251C>T (NM_000833.5); c.*4457C>T (NM_001134408.2).
Identifiers: ClinVar variation 321543 (VCV000321543.5), dbSNP rs537753852, ClinGen allele CA10638748.
Genomic context (GRCh38, chr16:9,758,898, plus strand): 5'-ATGGGGTATCTGGAAAGGTCTAATTTTGTCTCCAGTGAAAATAAACAGTACTTTTGGAAG[G>A]AAAATTGCCTTTACATAGAACCCTTCACTCATTAAATATCAAGCAACACATTTAGCTTCC-3'

ClinVar aggregate classification (germline): Benign (1 of 4 stars; one submission).

Conditions:
Landau-Kleffner syndrome (FESD). Also called: EPILEPSY, FOCAL, WITH SPEECH DISORDER AND WITH OR WITHOUT MENTAL RETARDATION; APHASIA, ACQUIRED, WITH EPILEPSY. Identifiers: Orphanet 1945, Orphanet 725, Orphanet 98818, MedGen C0282512, MONDO:0009509, OMIM 245570.

Allele frequency attached by ClinVar (database versions not stated): gnomAD exomes 0.00006; TOPMed 0.00006; gnomAD 0.00003 and 0.00029; 1000 Genomes Project 30x 0.00219; 1000 Genomes Project 0.00280.
gnomAD v4.1: 49 of 220,044 alleles (0.022%); highest among the groups gnomAD compares: South Asian, 0.79%; no homozygotes.

Submission:

Illumina Laboratory Services, Illumina
Classification: Benign for Landau-Kleffner syndrome. Last evaluated: 2018-01-13. Review status: criteria provided, single submitter. Criteria: ICSL Variant Classification Criteria 13 December 2019. Collection method: clinical testing. Allele origin: germline.
Comment: This variant was observed in the ICSL laboratory as part of a predisposition screen in an ostensibly healthy population. It had not been previously curated by ICSL or reported in the Human Gene Mutation Database (HGMD: prior to June 1st, 2018), and was therefore a candidate for classification through an automated scoring system. Utilizing variant allele frequency, disease prevalence and penetrance estimates, and inheritance mode, an automated score was calculated to assess if this variant is too frequent to cause the disease. Based on the score and internal cut-off values, a variant classified as benign is not then subjected to further curation. The score for this variant resulted in a classification of benign for this disease.